The following is an entry in ClinVar:

ClinVar aggregate classification (germline): Uncertain significance (1 of 4 stars; one submission).

Conditions:
BBS2-related disorder. Also called: BBS2-related condition; BBS2-related disorders. Identifiers: MedGen CN239228.

Submission:

PreventionGenetics, part of Exact Sciences
Classification: Uncertain significance for BBS2-related condition. Last evaluated: 2025-03-09. Review status: criteria provided, single submitter. Criteria: ACMG Guidelines, 2015. Collection method: clinical testing. Allele origin: germline.
Comment: The BBS2 c.350C>T variant is predicted to result in the amino acid substitution p.Ala117Val. To our knowledge, this variant has not been reported in the literature or in a large population database (gnomAD), indicating this variant is rare. At this time, the clinical significance of this variant is uncertain due to the absence of conclusive functional and genetic evidence.

NM_031885.5(BBS2):c.350C>T (p.Ala117Val)

Gene: BBS2 (Bardet-Biedl syndrome 2; minus strand). Cytogenetic location: 16q13.
Variant type: single nucleotide variant.
Coding change: c.350C>T on transcript NM_031885.5 (MANE Select); coding-DNA position 350, C replaced by T.
Protein change: p.Ala117Val; replaces alanine 117 with valine.
Molecular consequence: missense variant. On other transcripts: non-coding transcript variant (5).
Genome position (GRCh38, 1-based): chr16:56,511,280, G>A on the plus strand (C>T on the coding strand, the complement: BBS2 is on the minus strand). VCF-style: chr16-56511280-G-A. GRCh37 (hg19) VCF-style: chr16-56545192-G-A.
Other names: c.350C>T, p.Ala117Val (NM_001377456.1); short protein forms A117V.
Identifiers: ClinVar variation 4978866 (VCV004978866.1).